The following is an entry in ClinVar:

ClinVar aggregate classification (germline): Benign/Likely benign. Review status: criteria provided, multiple submitters, no conflicts (2 of 4 stars). 4 submissions from 4 submitters: Benign (1); Likely benign (2). 1 of the submissions does not count toward it. Last evaluated 2026-03-01.

Conditions:
Fraser syndrome 1 (FRASRS1). Also called: CRYPTOPHTHALMOS WITH OTHER MALFORMATIONS. Identifiers: Orphanet 2052, MedGen C4551480, MONDO:0054737, OMIM 219000.
FRAS1-related disorder. Also called: FRAS1-related condition.

Allele frequency attached by ClinVar (database versions not stated): gnomAD exomes 0.00013 and 0.00029; ExAC 0.00035; 1000 Genomes Project 0.00100; ESP Exome Variant Server 0.00114; 1000 Genomes Project 30x 0.00125; gnomAD 0.00138 and 0.00142; TOPMed 0.00176.
gnomAD v4.1: 412 of 1,612,916 alleles (0.026%); highest among the groups gnomAD compares: African/African-American, 0.45%; no homozygotes.

Submissions (4):

CeGaT Center for Human Genetics Tuebingen
Classification: Likely benign. Last evaluated: 2026-03-01. Review status: criteria provided, single submitter. Criteria: CeGaT Center For Human Genetics Tuebingen Variant Classification Criteria Version 2. Collection method: clinical testing. Allele origin: germline. Affected: yes. Observed: 1 variant allele.
Comment: FRAS1: BP4, BP7

Labcorp Genetics (formerly Invitae), Labcorp
Classification: Benign. Last evaluated: 2026-02-01. Review status: criteria provided, single submitter. Criteria: Invitae Variant Classification Sherloc (09022015). Collection method: clinical testing. Allele origin: germline.

Fulgent Genetics
Classification: Likely benign for Fraser syndrome 1. Last evaluated: 2021-10-06. Review status: criteria provided, single submitter. Criteria: ACMG Guidelines, 2015. Collection method: clinical testing. Allele origin: unknown.

PreventionGenetics, part of Exact Sciences
Classification: Likely benign for FRAS1-related condition. Last evaluated: 2019-05-21. Review status: no assertion criteria provided. Collection method: clinical testing. Allele origin: germline. Not counted in ClinVar's aggregate classification.
Comment: This variant is classified as likely benign based on ACMG/AMP sequence variant interpretation guidelines (Richards et al. 2015 PMID: 25741868, with internal and published modifications).

NM_025074.7(FRAS1):c.5947C>T (p.Leu1983=)

Gene: FRAS1 (Fraser extracellular matrix complex subunit 1; plus strand). Cytogenetic location: 4q21.21.
Variant type: single nucleotide variant.
Coding change: c.5947C>T on transcript NM_025074.7 (MANE Select); coding-DNA position 5947, C replaced by T.
Protein change: p.Leu1983=; no amino-acid change (leucine 1983 retained).
Molecular consequence: synonymous variant.
Genome position (GRCh38, 1-based): chr4:78,446,817, C>T. VCF-style: chr4-78446817-C-T. GRCh37 (hg19) VCF-style: chr4-79367971-C-T.
Identifiers: ClinVar variation 698179 (VCV000698179.16), dbSNP rs74893124, ClinGen allele CA2977663.